The following is an entry in ClinVar:

ClinVar aggregate classification (germline): Uncertain significance (1 of 4 stars; one submission).

gnomAD v4.1: 5 of 1,611,992 alleles (0.00031%); highest among the groups gnomAD compares: African/African-American, 0.004%; no homozygotes.

Submission:

Labcorp Genetics (formerly Invitae), Labcorp
Classification: Uncertain significance. Last evaluated: 2024-06-11. Review status: criteria provided, single submitter. Criteria: Invitae Variant Classification Sherloc (09022015). Collection method: clinical testing. Allele origin: germline.
Comment: This sequence change replaces glycine, which is neutral and non-polar, with serine, which is neutral and polar, at codon 294 of the JAK2 protein (p.Gly294Ser). This variant is present in population databases (rs200298704, gnomAD 0.007%). This variant has not been reported in the literature in individuals affected with JAK2-related conditions. Advanced modeling of protein sequence and biophysical properties (such as structural, functional, and spatial information, amino acid conservation, physicochemical variation, residue mobility, and thermodynamic stability) performed at Invitae indicates that this missense variant is not expected to disrupt JAK2 protein function with a negative predictive value of 80%. In summary, the available evidence is currently insufficient to determine the role of this variant in disease. Therefore, it has been classified as a Variant of Uncertain Significance.

NM_004972.4(JAK2):c.880G>A (p.Gly294Ser)

Genes: INSL6 (insulin like 6; minus strand), JAK2 (Janus kinase 2; plus strand). Cytogenetic location: 9p24.1.
Variant type: single nucleotide variant.
Coding change: c.880G>A on transcript NM_004972.4 (MANE Select); coding-DNA position 880, G replaced by A.
Protein change: p.Gly294Ser; replaces glycine 294 with serine.
Molecular consequence: missense variant. On other transcripts: non-coding transcript variant (2), intron variant (2).
Genome position (GRCh38, 1-based): chr9:5,054,828, G>A. VCF-style: chr9-5054828-G-A. GRCh37 (hg19) VCF-style: chr9-5054828-G-A.
Other names: c.880G>A, p.Gly294Ser (NM_001322194.2, NM_001322195.2, NM_001322196.2); c.433G>A, p.Gly145Ser (NM_001322204.2); c.-280+39G>A (NM_001322198.2, NM_001322199.2); short protein forms G145S, G294S.
Identifiers: ClinVar variation 3618461 (VCV003618461.2).
Genomic context (GRCh38, chr9:5,054,828, plus strand): 5'-GAACCTGGAAGTGGTCCTTCAGGTGAGGAGATTTTTGCAACCATTATAATAACTGGAAAC[G>A]GTGGAATTCAGTGGTCAAGAGGGAAACATAAAGAAAGTGAGACACTGACAGAACAGGTAA-3'
Protein context (NP_004963.1, residues 284-304): IFATIIITGN[Gly294Ser]GIQWSRGKHK